The following is an entry in ClinVar:

NM_033004.4(NLRP1):c.3285G>T (p.Lys1095Asn)

Gene: NLRP1 (NLR family pyrin domain containing 1; minus strand). Cytogenetic location: 17p13.2.
Variant type: single nucleotide variant.
Coding change: c.3285G>T on transcript NM_033004.4 (MANE Select); coding-DNA position 3285, G replaced by T.
Protein change: p.Lys1095Asn; replaces lysine 1095 with asparagine.
Molecular consequence: missense variant.
Genome position (GRCh38, 1-based): chr17:5,532,833, C>A on the plus strand (G>T on the coding strand, the complement: NLRP1 is on the minus strand). VCF-style: chr17-5532833-C-A. GRCh37 (hg19) VCF-style: chr17-5436153-C-A.
Other names: c.3297G>T, p.Lys1099Asn (NM_001033053.3); c.3285G>T, p.Lys1095Asn (NM_014922.5); c.3195G>T, p.Lys1065Asn (NM_033006.4, NM_033007.4); short protein forms K1065N, K1095N, K1099N.
Identifiers: ClinVar variation 3668840 (VCV003668840.2).

ClinVar aggregate classification (germline): Uncertain significance (1 of 4 stars; one submission).

gnomAD v4.1: 2 of 1,604,882 alleles (0.00012%); highest among the groups gnomAD compares: Non-Finnish European, 0.00017%; no homozygotes.

Submission:

Labcorp Genetics (formerly Invitae), Labcorp
Classification: Uncertain significance. Last evaluated: 2024-08-13. Review status: criteria provided, single submitter. Criteria: Invitae Variant Classification Sherloc (09022015). Collection method: clinical testing. Allele origin: germline.
Comment: This sequence change replaces lysine, which is basic and polar, with asparagine, which is neutral and polar, at codon 1095 of the NLRP1 protein (p.Lys1095Asn). This variant is not present in population databases (gnomAD no frequency). This variant has not been reported in the literature in individuals affected with NLRP1-related conditions. An algorithm developed to predict the effect of missense changes on protein structure and function (PolyPhen-2) suggests that this variant is likely to be tolerated. In summary, the available evidence is currently insufficient to determine the role of this variant in disease. Therefore, it has been classified as a Variant of Uncertain Significance.